The following is an entry in ClinVar:

ClinVar aggregate classification (germline): Uncertain significance (1 of 4 stars; one submission).

Submission:

Labcorp Genetics (formerly Invitae), Labcorp
Classification: Uncertain significance. Last evaluated: 2022-06-29. Review status: criteria provided, single submitter. Criteria: Invitae Variant Classification Sherloc (09022015). Collection method: clinical testing. Allele origin: germline.
Comment: This variant, c.11922_11930dup, results in the insertion of 3 amino acid(s) of the ANK3 protein (p.Thr3976_Thr3978dup), but otherwise preserves the integrity of the reading frame. The frequency data for this variant in the population databases is considered unreliable, as metrics indicate poor data quality at this position in the gnomAD database. This variant has not been reported in the literature in individuals affected with ANK3-related conditions. In summary, the available evidence is currently insufficient to determine the role of this variant in disease. Therefore, it has been classified as a Variant of Uncertain Significance.

NM_020987.5(ANK3):c.11913TACCACCAC[3] (p.Thr3978_Ser3979insThrThrThr)

Gene: ANK3 (ankyrin 3; minus strand). Cytogenetic location: 10q21.2.
Variant type: Microsatellite.
Coding change: c.11913TACCACCAC[3] on transcript NM_020987.5 (MANE Select); three copies in a row of the 9-base unit TACCACCAC starting at c.11913; the reference has two copies in a row; one copy, 9 bases duplicated.
Protein change: p.Thr3978_Ser3979insThrThrThr.
Molecular consequence: inframe insertion. On other transcripts: intron variant (4).
Genome position (GRCh38, 1-based): chr10:60,068,951-60,068,959, GTGGTGGTA duplicated on the plus strand (TACCACCAC on the coding strand, the reverse complement: ANK3 is on the minus strand); duplicating any 9 consecutive bases within chr10:60,068,951-60,068,976 gives the same sequence; the position shown is the placement nearest the transcript's 3' end. VCF-style (leftmost placement, unchanged base first): chr10-60068950-G-GGTGGTGGTA. GRCh37 (hg19) VCF-style: chr10-61828708-G-GGTGGTGGTA.
Other names: c.4388-959TACCACCAC[3] (NM_001204403.2); c.4409-959TACCACCAC[3] (NM_001204404.2); c.4406-959TACCACCAC[3] (NM_001320874.2); c.1808-959TACCACCAC[3] (NM_001149.4).
Identifiers: ClinVar variation 2052556 (VCV002052556.4), dbSNP rs750584727, ClinGen allele CA594254686.
Genomic context (GRCh38, chr10:60,068,950, plus strand): 5'-AATGGAATGTTTACATACTTCCTTGAGCTGACTTTTCCTAACTTTAACTGTGCAGCTGGT[G>GGTGGTGGTA]GTGGTGGTAGTGGTGGTAGTGGTGGTGGTGGTGGCAGTGGTGGTGGTGGTAGTGACACAG-3'